The following is an entry in ClinVar:

NM_002524.5(NRAS):c.*2816T>C

Gene: NRAS (NRAS proto-oncogene, GTPase; minus strand). Cytogenetic location: 1p13.2.
Variant type: single nucleotide variant.
Coding change: c.*2816T>C on transcript NM_002524.5 (MANE Select); 2816 bases downstream of the stop codon, T replaced by C.
Molecular consequence: 3 prime UTR variant.
Genome position (GRCh38, 1-based): chr1:114,705,278, A>G on the plus strand (T>C on the coding strand, the complement: NRAS is on the minus strand). VCF-style: chr1-114705278-A-G. GRCh37 (hg19) VCF-style: chr1-115247899-A-G.
Identifiers: ClinVar variation 874294 (VCV000874294.4), dbSNP rs370262800, ClinGen allele CA29039703.

ClinVar aggregate classification (germline): Likely benign (1 of 4 stars; one submission).

Conditions:
Noonan syndrome 6 (NS6). Also called: NRAS-Related Noonan Syndrome. Identifiers: Orphanet 648, MedGen C2750732, MONDO:0013186, OMIM 613224.

Allele frequency attached by ClinVar (database versions not stated): gnomAD 0.00011; TOPMed 0.00022; 1000 Genomes Project 0.00060; 1000 Genomes Project 30x 0.00078.
gnomAD v4.1: 20 of 152,338 alleles (0.013%); highest among the groups gnomAD compares: East Asian, 0.27%; no homozygotes.

Submission:

Illumina Laboratory Services, Illumina
Classification: Likely benign for Noonan syndrome 6. Last evaluated: 2018-01-13. Review status: criteria provided, single submitter. Criteria: ICSL Variant Classification Criteria 13 December 2019. Collection method: clinical testing. Allele origin: germline.
Comment: This variant was observed in the ICSL laboratory as part of a predisposition screen in an ostensibly healthy population. It had not been previously curated by ICSL or reported in the Human Gene Mutation Database (HGMD: prior to June 1st, 2018), and was therefore a candidate for classification through an automated scoring system. Utilizing variant allele frequency, disease prevalence and penetrance estimates, and inheritance mode, an automated score was calculated to assess if this variant is too frequent to cause the disease. Based on the score and internal cut-off values, a variant classified as likely benign is not then subjected to further curation. The score for this variant resulted in a classification of likely benign for this disease.